The following is an entry in ClinVar:

ClinVar aggregate classification (germline): Uncertain significance (1 of 4 stars; one submission).

Submission:

GeneDx
Classification: Uncertain significance. Last evaluated: 2022-12-30. Review status: criteria provided, single submitter. Criteria: GeneDx Variant Classification Process June 2021. Collection method: clinical testing. Allele origin: germline. Affected: yes.
Comment: Not observed at significant frequency in large population cohorts (gnomAD); In silico analysis supports that this missense variant has a deleterious effect on protein structure/function; Has not been previously published as pathogenic or benign to our knowledge; Also known as 1130A>C; This variant is associated with the following publications: (PMID: 11521194, 9582019, 9926942, 15343273, 20215511)

NM_007294.4(BRCA1):c.1011A>C (p.Glu337Asp)

Gene: BRCA1 (BRCA1 DNA repair associated; minus strand). Cytogenetic location: 17q21.31.
Variant type: single nucleotide variant.
Coding change: c.1011A>C on transcript NM_007294.4 (MANE Select); coding-DNA position 1011, A replaced by C.
Protein change: p.Glu337Asp; replaces glutamic acid 337 with aspartic acid.
Molecular consequence: missense variant. On other transcripts: intron variant (137).
Genome position (GRCh38, 1-based): chr17:43,094,520, T>G on the plus strand (A>C on the coding strand, the complement: BRCA1 is on the minus strand). VCF-style: chr17-43094520-T-G. GRCh37 (hg19) VCF-style: chr17-41246537-T-G.
Other names: c.798A>C, p.Glu266Asp (NM_001407571.1, NM_001407853.1, NM_001407894.1 and 9 more transcripts); c.1011A>C, p.Glu337Asp (NM_001407581.1, NM_001407582.1, NM_001407583.1 and 30 more transcripts); c.1008A>C, p.Glu336Asp (NM_001407587.1, NM_001407590.1, NM_001407591.1 and 22 more transcripts); c.1002A>C, p.Glu334Asp (NM_001407646.1, NM_001407647.1); c.888A>C, p.Glu296Asp (NM_001407648.1, NM_001407664.1, NM_001407665.1 and 19 more transcripts); c.885A>C, p.Glu295Asp (NM_001407649.1, NM_001407670.1, NM_001407671.1 and 11 more transcripts); c.933A>C, p.Glu311Asp (NM_001407653.1, NM_001407654.1, NM_001407655.1 and 4 more transcripts); c.930A>C, p.Glu310Asp (NM_001407659.1, NM_001407660.1, NM_001407661.1 and 1 more transcripts); and 40 more; short protein forms E169D, E209D, E210D, E225D, E226D, E248D, E249D, E266D.
Identifiers: ClinVar variation 2507342 (VCV002507342.1), dbSNP rs1555592670, ClinGen allele CA10600039.